The following is an entry in ClinVar:

ClinVar aggregate classification (germline): Uncertain significance (1 of 4 stars; one submission).

Submission:

Labcorp Genetics (formerly Invitae), Labcorp
Classification: Uncertain significance. Last evaluated: 2023-04-09. Review status: criteria provided, single submitter. Criteria: Invitae Variant Classification Sherloc (09022015). Collection method: clinical testing. Allele origin: germline.
Comment: In summary, the available evidence is currently insufficient to determine the role of this variant in disease. Therefore, it has been classified as a Variant of Uncertain Significance. Algorithms developed to predict the effect of sequence changes on RNA splicing suggest that this variant may create or strengthen a splice site. This variant has not been reported in the literature in individuals affected with MFAP5-related conditions. This variant is not present in population databases (gnomAD no frequency). This sequence change falls in intron 7 of the MFAP5 gene. It does not directly change the encoded amino acid sequence of the MFAP5 protein.

NM_003480.4(MFAP5):c.248-10G>C

Gene: MFAP5 (microfibril associated protein 5; minus strand). Cytogenetic location: 12p13.31.
Variant type: single nucleotide variant.
Coding change: c.248-10G>C on transcript NM_003480.4 (MANE Select); 10 bases into the intron before coding-DNA position 248, G replaced by C.
Molecular consequence: intron variant.
Genome position (GRCh38, 1-based): chr12:8,650,599, C>G on the plus strand (G>C on the coding strand, the complement: MFAP5 is on the minus strand). VCF-style: chr12-8650599-C-G. GRCh37 (hg19) VCF-style: chr12-8803195-C-G.
Other names: c.182-10G>C (NM_001297710.2); c.173-10G>C (NM_001297711.2); c.218-2396G>C (NM_001297712.2); c.218-10G>C (NM_001297709.2).
Identifiers: ClinVar variation 2867842 (VCV002867842.3), dbSNP rs762418896, ClinGen allele CA2575070402.
Genomic context (GRCh38, chr12:8,650,599, plus strand): 5'-GCCGATGCACAGAGTAGAGCCTTGTGCAGGTAAATTTCTCATCCCAGCACTCTGAGGAAG[C>G]CCAATACAAAAAAATAAGGAGGTCCAAATAGAAGCAGCATAAATGAAGGATTGAAGGAAT-3'